The following is an entry in ClinVar:

ClinVar aggregate classification (germline): Uncertain significance (1 of 4 stars; one submission).

Submission:

Centre of Medical Genetics, University Hospital Muenster
Classification: Uncertain significance. Last evaluated: 2022-11-15. Review status: criteria provided, single submitter. Criteria: ACMG Guidelines, 2015. Collection method: clinical testing. Allele origin: unknown. Affected: yes. Observed: 1 variant allele, 1 heterozygote.
Comment: ACMG categories: -

NM_015557.3(CHD5):c.1161+8_1161+38del

Gene: CHD5 (chromodomain helicase DNA binding protein 5; minus strand). Cytogenetic location: 1p36.31.
Variant type: Deletion.
Coding change: c.1161+8_1161+38del on transcript NM_015557.3 (MANE Select); bases 8 to 38 of the intron after coding-DNA position 1161, 31 bases deleted.
Molecular consequence: intron variant.
Genome position (GRCh38, 1-based): chr1:6,149,208-6,149,238, 31 bases deleted. GRCh37 (hg19): chr1:6,209,268-6,209,298.
Identifiers: ClinVar variation 3383429 (VCV003383429.2).